The following is an entry in ClinVar:

NM_001250.6(CD40):c.87del (p.Lys29fs)

Gene: CD40 (CD40 molecule; plus strand). Cytogenetic location: 20q13.12.
Variant type: Deletion.
Coding change: c.87del on transcript NM_001250.6 (MANE Select); coding-DNA position 87, one base deleted (A; older notation c.87delA).
Protein change: p.Lys29fs; shifts the reading frame from lysine 29.
Molecular consequence: frameshift variant. On other transcripts: non-coding transcript variant (2).
Genome position (GRCh38, 1-based): chr20:46,121,855, A deleted; the last of 5 consecutive A bases (chr20:46,121,851-46,121,855); deleting any one gives the same sequence. VCF-style (leftmost placement, unchanged base first): chr20-46121850-GA-G. GRCh37 (hg19) VCF-style: chr20-44750489-GA-G.
Other names: c.87del, p.Lys29fs (NM_001302753.2, NM_001322421.2, NM_001322422.2 and 3 more transcripts); short protein forms K29fs.
Identifiers: ClinVar variation 3643241 (VCV003643241.2).
Genomic context (GRCh38, chr20:46,121,850, plus strand): 5'-TCCCTTCAAATTGCACAATTCTGTTTTTAGGTCCATCCAGAACCACCCACTGCATGCAGA[GA>G]AAAACAGTACCTAATAAACAGTCAGTGCTGTTCTTTGTGCCAGCCAGGTGAGATGCCAAC-3'

ClinVar aggregate classification (germline): Pathogenic (1 of 4 stars; one submission).

Submission:

Labcorp Genetics (formerly Invitae), Labcorp
Classification: Pathogenic. Last evaluated: 2024-02-25. Review status: criteria provided, single submitter. Criteria: Invitae Variant Classification Sherloc (09022015). Collection method: clinical testing. Allele origin: germline.
Comment: This sequence change creates a premature translational stop signal (p.Lys29Asnfs*4) in the CD40 gene. It is expected to result in an absent or disrupted protein product. Loss-of-function variants in CD40 are known to be pathogenic (PMID: 20702779, 24122029, 35729272). This variant is not present in population databases (gnomAD no frequency). This variant has not been reported in the literature in individuals affected with CD40-related conditions. For these reasons, this variant has been classified as Pathogenic.

Literature cited by the submitters: PubMed 20702779; PubMed 24122029; PubMed 35729272.